The following is an entry in ClinVar:

NM_002900.3(RBP3):c.2341G>C (p.Asp781His)

Gene: RBP3 (retinol binding protein 3; plus strand). Cytogenetic location: 10q11.22.
Variant type: single nucleotide variant.
Coding change: c.2341G>C on transcript NM_002900.3 (MANE Select); coding-DNA position 2341, G replaced by C.
Protein change: p.Asp781His; replaces aspartic acid 781 with histidine.
Molecular consequence: missense variant.
Genome position (GRCh38, 1-based): chr10:47,350,825, G>C. VCF-style: chr10-47350825-G-C. GRCh37 (hg19) VCF-style: chr10-48388537-C-G.
Other names: short protein forms D781H.
Identifiers: ClinVar variation 938046 (VCV000938046.11), dbSNP rs145285304, ClinGen allele CA5487304.

ClinVar aggregate classification (germline): Conflicting classifications of pathogenicity. Review status: criteria provided, conflicting classifications (1 of 4 stars). 3 submissions from 3 submitters: Pathogenic (1); Uncertain significance (2). Last evaluated 2024-10-01.

Conditions:
Retinitis pigmentosa (RP). Identifiers: Orphanet 791, MedGen C0035334, MeSH D012174, MONDO:0019200, OMIM 268000. Inheritance: Autosomal dominant, autosomal recessive and X linked inheritance.

Allele frequency attached by ClinVar (database versions not stated): TOPMed 0.00001; ESP Exome Variant Server 0.00008.

Submissions (3):

Lab De Baere, Eye and Developmental Genetics Lab, Ghent University
Classification: Uncertain significance for Retinitis pigmentosa. Last evaluated: 2024-10-01. Review status: criteria provided, single submitter. Criteria: ACMG Guidelines, 2015. Collection method: research. Allele origin: inherited. Affected: yes. Observed: 1 variant allele.
Comment: ACMG/AMP guidelines: PM2, PP3, PP1, PM3_PP

Labcorp Genetics (formerly Invitae), Labcorp
Classification: Pathogenic. Last evaluated: 2024-02-05. Review status: criteria provided, single submitter. Criteria: Invitae Variant Classification Sherloc (09022015). Collection method: clinical testing. Allele origin: germline.
Comment: This sequence change replaces aspartic acid, which is acidic and polar, with histidine, which is basic and polar, at codon 781 of the RBP3 protein (p.Asp781His). This variant is present in population databases (rs145285304, gnomAD 0.002%). This missense change has been observed in individual(s) with retinitis pigmentosa (Invitae). In at least one individual the data is consistent with being in trans (on the opposite chromosome) from a pathogenic variant. ClinVar contains an entry for this variant (Variation ID: 938046). An algorithm developed to predict the effect of missense changes on protein structure and function (PolyPhen-2) suggests that this variant is likely to be disruptive. For these reasons, this variant has been classified as Pathogenic.

Blueprint Genetics
Classification: Uncertain significance. Last evaluated: 2021-09-01. Review status: criteria provided, single submitter. Criteria: ACMG Guidelines, 2015. Collection method: clinical testing. Allele origin: germline.